The following is an entry in ClinVar:

NM_006517.5(SLC16A2):c.197A>C (p.Glu66Ala)

Gene: SLC16A2 (solute carrier family 16 member 2; plus strand). Cytogenetic location: Xq13.2.
Variant type: single nucleotide variant.
Coding change: c.197A>C on transcript NM_006517.5 (MANE Select); coding-DNA position 197, A replaced by C.
Protein change: p.Glu66Ala; replaces glutamic acid 66 with alanine.
Molecular consequence: missense variant.
Genome position (GRCh38, 1-based): chrX:74,421,834, A>C. VCF-style: chrX-74421834-A-C. GRCh37 (hg19) VCF-style: chrX-73641669-A-C.
Other names: short protein forms E66A.
Identifiers: ClinVar variation 3608315 (VCV003608315.2).

ClinVar aggregate classification (germline): Uncertain significance (1 of 4 stars; one submission).

Conditions:
Spastic paraplegia. Identifiers: MedGen C0037772, HP:0001258.

Submission:

Labcorp Genetics (formerly Invitae), Labcorp
Classification: Uncertain significance for Spastic paraplegia. Last evaluated: 2024-11-15. Review status: criteria provided, single submitter. Criteria: Invitae Variant Classification Sherloc (09022015). Collection method: clinical testing. Allele origin: germline.
Comment: This sequence change replaces glutamic acid, which is acidic and polar, with alanine, which is neutral and non-polar, at codon 66 of the SLC16A2 protein (p.Glu66Ala). This variant is not present in population databases (gnomAD no frequency). This variant has not been reported in the literature in individuals affected with SLC16A2-related conditions. Invitae Evidence Modeling of protein sequence and biophysical properties (such as structural, functional, and spatial information, amino acid conservation, physicochemical variation, residue mobility, and thermodynamic stability) indicates that this missense variant is not expected to disrupt SLC16A2 protein function with a negative predictive value of 95%. In summary, the available evidence is currently insufficient to determine the role of this variant in disease. Therefore, it has been classified as a Variant of Uncertain Significance.